The following is an entry in ClinVar:

NM_000535.7(PMS2):c.203T>C (p.Val68Ala)

Gene: PMS2 (PMS1 homolog 2, mismatch repair system component; minus strand). Cytogenetic location: 7p22.1.
Variant type: single nucleotide variant.
Coding change: c.203T>C on transcript NM_000535.7 (MANE Select); coding-DNA position 203, T replaced by C.
Protein change: p.Val68Ala; replaces valine 68 with alanine.
Molecular consequence: missense variant. On other transcripts: 5 prime UTR variant (44), non-coding transcript variant (1), intron variant (1).
Genome position (GRCh38, 1-based): chr7:6,004,019, A>G on the plus strand (T>C on the coding strand, the complement: PMS2 is on the minus strand). VCF-style: chr7-6004019-A-G. GRCh37 (hg19) VCF-style: chr7-6043650-A-G.
Other names: c.203T>C, p.Val68Ala (NM_001406872.1, NM_001406873.1, NM_001406874.1 and 10 more transcripts); c.-282T>C (NM_001406875.1, NM_001406877.1, NM_001406878.1 and 3 more transcripts); c.-13T>C (NM_001406876.1, NM_001406883.1, NM_001322007.2 and 4 more transcripts); c.-229T>C (NM_001406880.1); c.-179T>C (NM_001406881.1, NM_001406900.1); c.-203T>C (NM_001406887.1, NM_001406891.1, NM_001406893.1 and 14 more transcripts); c.-150T>C (NM_001406888.1, NM_001406889.1, NM_001406892.1 and 6 more transcripts); c.-193T>C (NM_001406890.1); and 3 more; short protein forms V130A, V68A.
Identifiers: ClinVar variation 2575472 (VCV002575472.4), dbSNP rs2128830126, ClinGen allele CA366744858.

ClinVar aggregate classification (germline): Uncertain significance. Review status: criteria provided, multiple submitters, no conflicts (2 of 4 stars). 2 submissions from 2 submitters: Uncertain significance (2). Last evaluated 2025-03-04.

Conditions:
Hereditary nonpolyposis colorectal neoplasms. Identifiers: MedGen C0009405, MeSH D003123.

Submissions (2):

Center for Genomic Medicine, Rigshospitalet, Copenhagen University Hospital
Classification: Uncertain significance. Last evaluated: 2025-03-04. Review status: criteria provided, single submitter. Criteria: ACMG Guidelines, 2015. Collection method: clinical testing. Allele origin: germline.

Labcorp Genetics (formerly Invitae), Labcorp
Classification: Uncertain significance for Hereditary nonpolyposis colorectal neoplasms. Last evaluated: 2024-08-26. Review status: criteria provided, single submitter. Criteria: Invitae Variant Classification Sherloc (09022015). Collection method: clinical testing. Allele origin: germline.
Comment: This sequence change replaces valine, which is neutral and non-polar, with alanine, which is neutral and non-polar, at codon 68 of the PMS2 protein (p.Val68Ala). This variant is not present in population databases (gnomAD no frequency). This variant has not been reported in the literature in individuals affected with PMS2-related conditions. ClinVar contains an entry for this variant (Variation ID: 2575472). Invitae Evidence Modeling of protein sequence and biophysical properties (such as structural, functional, and spatial information, amino acid conservation, physicochemical variation, residue mobility, and thermodynamic stability) indicates that this missense variant is expected to disrupt PMS2 protein function with a positive predictive value of 80%. In summary, the available evidence is currently insufficient to determine the role of this variant in disease. Therefore, it has been classified as a Variant of Uncertain Significance.